The following is an entry in ClinVar:

ClinVar aggregate classification (germline): Uncertain significance. Review status: criteria provided, multiple submitters, no conflicts (2 of 4 stars). 2 submissions from 2 submitters: Uncertain significance (2). Last evaluated 2025-08-09.

Conditions:
Ataxia-telangiectasia syndrome (AT). Also called: Ataxia telangiectasia (A-T); Cerebello-oculocutaneous telangiectasia; Immunodeficiency with ataxia telangiectasia; AT, COMPLEMENTATION GROUP C; ATAXIA-TELANGIECTASIA, COMPLEMENTATION GROUP A; ATAXIA-TELANGIECTASIA, FRESNO VARIANT. Identifiers: Orphanet 100, MedGen C0004135, MONDO:0008840, OMIM 208900.
Hereditary cancer-predisposing syndrome. Also called: Hereditary neoplastic syndrome; Tumor predisposition; Neoplastic Syndromes, Hereditary; Hereditary Cancer Syndrome. Identifiers: Orphanet 140162, MedGen C0027672, MeSH D009386, MONDO:0015356.

Allele frequency attached by ClinVar (database versions not stated): gnomAD exomes below 0.00001.
gnomAD v4.1: 1 of 1,613,718 alleles (0.000062%); highest among the groups gnomAD compares: Non-Finnish European, 0.000085%; no homozygotes.

Submissions (2):

Ambry Genetics
Classification: Uncertain significance for Hereditary cancer-predisposing syndrome. Last evaluated: 2025-08-09. Review status: criteria provided, single submitter. Criteria: Ambry Variant Classification Scheme 2023. Collection method: clinical testing. Allele origin: germline.
Comment: The p.I1752T variant (also known as c.5255T>C), located in coding exon 34 of the ATM gene, results from a T to C substitution at nucleotide position 5255. The isoleucine at codon 1752 is replaced by threonine, an amino acid with similar properties. This amino acid position is conserved. In addition, this alteration is predicted to be tolerated by in silico analysis. Since supporting evidence is limited at this time, the clinical significance of this alteration remains unclear.

Labcorp Genetics (formerly Invitae), Labcorp
Classification: Uncertain significance for Ataxia-telangiectasia syndrome. Last evaluated: 2025-04-28. Review status: criteria provided, single submitter. Criteria: Invitae Variant Classification Sherloc (09022015). Collection method: clinical testing. Allele origin: germline.
Comment: This sequence change replaces isoleucine, which is neutral and non-polar, with threonine, which is neutral and polar, at codon 1752 of the ATM protein (p.Ile1752Thr). This variant is not present in population databases (gnomAD no frequency). This variant has not been reported in the literature in individuals affected with ATM-related conditions. ClinVar contains an entry for this variant (Variation ID: 860284). Invitae Evidence Modeling of protein sequence and biophysical properties (such as structural, functional, and spatial information, amino acid conservation, physicochemical variation, residue mobility, and thermodynamic stability) indicates that this missense variant is not expected to disrupt ATM protein function with a negative predictive value of 95%. In summary, the available evidence is currently insufficient to determine the role of this variant in disease. Therefore, it has been classified as a Variant of Uncertain Significance.

NM_000051.4(ATM):c.5255T>C (p.Ile1752Thr)

Gene: ATM (ATM serine/threonine kinase; plus strand). Cytogenetic location: 11q22.3.
Variant type: single nucleotide variant.
Coding change: c.5255T>C on transcript NM_000051.4 (MANE Select); coding-DNA position 5255, T replaced by C.
Protein change: p.Ile1752Thr; replaces isoleucine 1752 with threonine.
Molecular consequence: missense variant.
Genome position (GRCh38, 1-based): chr11:108,301,725, T>C. VCF-style: chr11-108301725-T-C. GRCh37 (hg19) VCF-style: chr11-108172452-T-C.
Other names: c.5255T>C, p.Ile1752Thr (NM_001351834.2); short protein forms I1752T.
Identifiers: ClinVar variation 860284 (VCV000860284.11), dbSNP rs2083441818, ClinGen allele CA382542501.
Genomic context (GRCh38, chr11:108,301,725, plus strand): 5'-CAGCTGTTACCTGTTTGAAAAACATTTTAGCCACAAAGACTGGACATAGTTTCTGGGAGA[T>C]TTATAAGATGACAACAGATCCAATGCTGGCCTATCTACAGCCTTTTAGAACATCAAGAAA-3'
Protein context (NP_000042.3, residues 1742-1762): ATKTGHSFWE[Ile1752Thr]YKMTTDPMLA